The following is an entry in ClinVar:

NM_032551.5(KISS1R):c.233A>G (p.Asn78Ser)

Genes: KISS1R (KISS1 receptor; plus strand), LOC130062853 (ATAC-STARR-seq lymphoblastoid silent region 9630; plus strand). Cytogenetic location: 19p13.3.
Variant type: single nucleotide variant.
Coding change: c.233A>G on transcript NM_032551.5 (MANE Select); coding-DNA position 233, A replaced by G.
Protein change: p.Asn78Ser; replaces asparagine 78 with serine.
Molecular consequence: missense variant.
Genome position (GRCh38, 1-based): chr19:917,735, A>G. VCF-style: chr19-917735-A-G. GRCh37 (hg19) VCF-style: chr19-917735-A-G.
Other names: short protein forms N78S.
Identifiers: ClinVar variation 3062119 (VCV003062119.1), dbSNP rs540538484, ClinGen allele CA9028722.

ClinVar aggregate classification (germline): Uncertain significance (1 of 4 stars; one submission).

Conditions:
Hypogonadotropic hypogonadism 8 with or without anosmia (HH8). Also called: HYPOGONADOTROPIC HYPOGONADISM 8 WITH ANOSMIA, SUSCEPTIBILITY TO; KISS1R-Related GnRH Deficiency. Identifiers: Orphanet 478, MedGen C3553841, MONDO:0013910, OMIM 614837.

Allele frequency attached by ClinVar (database versions not stated): ExAC 0.00003; 1000 Genomes Project 30x 0.00016; 1000 Genomes Project 0.00020; gnomAD 0.00001; TOPMed 0.00001.
gnomAD v4.1: 18 of 1,606,524 alleles (0.0011%); highest among the groups gnomAD compares: South Asian, 0.0033%; no homozygotes.

Submission:

Illumina Laboratory Services, Illumina
Classification: Uncertain significance for Hypogonadotropic hypogonadism 8 with or without anosmia. Last evaluated: 2018-05-15. Review status: criteria provided, single submitter. Criteria: ICSLVariantClassificationCriteria RUGD 01 April 2020. Collection method: clinical testing. Allele origin: unknown.
Comment: The KISS1R c.233A>G p.(Asn78Ser) missense variant has not, to our knowledge, been reported in the peer-reviewed literature. This variant is not observed in version 2.1.1 of the Genome Aggregation Database. Based on the limited evidence, the c.233A>G p.(Asn78Ser) variant is classified as a variant of uncertain significance for hypogonadotropic hypogonadism 8 with or without anosmia.